The following is an entry in ClinVar:

NM_001367624.2(ZNF469):c.3350G>A (p.Arg1117Gln)

Gene: ZNF469 (zinc finger protein 469; plus strand). Cytogenetic location: 16q24.2.
Variant type: single nucleotide variant.
Coding change: c.3350G>A on transcript NM_001367624.2 (MANE Select); coding-DNA position 3350, G replaced by A.
Protein change: p.Arg1117Gln; replaces arginine 1117 with glutamine.
Molecular consequence: missense variant.
Genome position (GRCh38, 1-based): chr16:88,430,820, G>A. VCF-style: chr16-88430820-G-A. GRCh37 (hg19) VCF-style: chr16-88497228-G-A.
Other names: NM_001127464.1:c.3266G>A; short protein forms R1117Q.
Identifiers: ClinVar variation 1310793 (VCV001310793.2), dbSNP rs757120684, ClinGen allele CA397080300.
Genomic context (GRCh38, chr16:88,430,820, plus strand): 5'-AGTCCGAGGAGGACGAGCAGCCTCCGCCGCGGGGCCCCGGCTTCAGAGGCCGGCGGGGCC[G>A]AGGCGAGAAGAGGAAGGAAGTGGAGCTGACCCAGGGTCCCAGAGAGGATGAGCCACAGAA-3'
Protein context (NP_001354553.1, residues 1107-1127): RGPGFRGRRG[Arg1117Gln]GEKRKEVELT

ClinVar aggregate classification (germline): Uncertain significance (1 of 4 stars; one submission).

Submission:

GeneDx
Classification: Uncertain significance. Last evaluated: 2019-12-04. Review status: criteria provided, single submitter. Criteria: GeneDx Variant Classification Process June 2021. Collection method: clinical testing. Allele origin: germline. Affected: yes.
Comment: Not observed in large population cohorts (Lek et al., 2016); In silico analysis, which includes protein predictors and evolutionary conservation, supports that this variant does not alter protein structure/function; Has not been previously published as pathogenic or benign to our knowledge